The following is an entry in ClinVar:

NM_033305.3(VPS13A):c.6425A>G (p.Gln2142Arg)

Gene: VPS13A (vacuolar protein sorting 13 homolog A; plus strand). Cytogenetic location: 9q21.2.
Variant type: single nucleotide variant.
Coding change: c.6425A>G on transcript NM_033305.3 (MANE Select); coding-DNA position 6425, A replaced by G.
Protein change: p.Gln2142Arg; replaces glutamine 2142 with arginine.
Molecular consequence: missense variant.
Genome position (GRCh38, 1-based): chr9:77,339,562, A>G. VCF-style: chr9-77339562-A-G. GRCh37 (hg19) VCF-style: chr9-79954478-A-G.
Other names: c.6308A>G, p.Gln2103Arg (NM_001018037.2); c.6425A>G, p.Gln2142Arg (NM_001018038.3, NM_015186.4); short protein forms Q2103R, Q2142R.
Identifiers: ClinVar variation 2147885 (VCV002147885.1), dbSNP rs945034441, ClinGen allele CA194385095.

ClinVar aggregate classification (germline): Uncertain significance (1 of 4 stars; one submission).

Allele frequency attached by ClinVar (database versions not stated): gnomAD exomes below 0.00001; gnomAD 0.00001; TOPMed 0.00001.

Submission:

Labcorp Genetics (formerly Invitae), Labcorp
Classification: Uncertain significance. Last evaluated: 2021-03-08. Review status: criteria provided, single submitter. Criteria: Invitae Variant Classification Sherloc (09022015). Collection method: clinical testing. Allele origin: germline.
Comment: This sequence change replaces glutamine with arginine at codon 2142 of the VPS13A protein (p.Gln2142Arg). The glutamine residue is moderately conserved and there is a small physicochemical difference between glutamine and arginine. This variant is not present in population databases (ExAC no frequency). This variant has not been reported in the literature in individuals with VPS13A-related conditions. Algorithms developed to predict the effect of missense changes on protein structure and function are either unavailable or do not agree on the potential impact of this missense change (SIFT: "Tolerated"; PolyPhen-2: "Possibly Damaging"; Align-GVGD: "Class C0"). In summary, the available evidence is currently insufficient to determine the role of this variant in disease. Therefore, it has been classified as a Variant of Uncertain Significance.